The following is an entry in ClinVar:

NM_001394477.1(FCGR2B):c.142C>G (p.Pro48Ala)

Gene: FCGR2B (Fc gamma receptor IIb; plus strand). Cytogenetic location: 1q23.3.
Variant type: single nucleotide variant.
Coding change: c.142C>G on transcript NM_001394477.1 (MANE Select); coding-DNA position 142, C replaced by G.
Protein change: p.Pro48Ala; replaces proline 48 with alanine.
Molecular consequence: missense variant. On other transcripts: non-coding transcript variant (1).
Genome position (GRCh38, 1-based): chr1:161,671,400, C>G. VCF-style: chr1-161671400-C-G. GRCh37 (hg19) VCF-style: chr1-161641190-C-G.
Other names: c.139C>G, p.Pro47Ala (NM_001002273.3, NM_001002275.3); c.142C>G, p.Pro48Ala (NM_001002274.3, NM_001386003.1, NM_001386005.1 and 1 more transcripts); c.121C>G, p.Pro41Ala (NM_001190828.2, NM_001386001.1, NM_001386006.1); c.118C>G, p.Pro40Ala (NM_001386000.1, NM_001386002.1, NM_001386004.1); short protein forms P40A, P41A, P47A, P48A.
Identifiers: ClinVar variation 4887729 (VCV004887729.1).

ClinVar aggregate classification (germline): Uncertain significance (1 of 4 stars; one submission).

gnomAD v4.1: 36 of 1,614,180 alleles (0.0022%); highest among the groups gnomAD compares: South Asian, 0.022%; 1 homozygote.

Submission:

Women's Health and Genetics/Laboratory Corporation of America, LabCorp
Classification: Uncertain significance. Last evaluated: 2026-06-23. Review status: criteria provided, single submitter. Criteria: LabCorp Variant Classification Summary - May 2015. Collection method: clinical testing. Allele origin: germline.
Comment: Variant summary: FCGR2B c.142C>G (p.Pro48Ala) results in a non-conservative amino acid change in the encoded protein sequence. Algorithms developed to predict the effect of missense changes on protein structure and function are either unavailable or do not agree on the potential impact of this missense change. The variant allele was found at a frequency of 2.2e-05 in 1614180 control chromosomes, predominantly at a frequency of 0.00022 within the South Asian subpopulation in the gnomAD database, including 1 homozygote. This frequency is not significantly higher than estimated for disease-causing variants in FCGR2B, allowing no conclusion about variant significance. To our knowledge, no occurrence of c.142C>G in individuals affected with FCGR2B-related conditions and no experimental evidence demonstrating its impact on protein function have been reported. No submitters have cited clinical-significance assessments for this variant to ClinVar. Based on the evidence outlined above, the variant was classified as uncertain significance.